The following is an entry in ClinVar:

ClinVar aggregate classification (germline): Uncertain significance (1 of 4 stars; one submission).

Conditions:
Immunodeficiency 104. Also called: Severe combined immunodeficiency, autosomal recessive, T cell-negative, B cell-positive, NK cell-positive; SCID, AUTOSOMAL RECESSIVE, T CELL-NEGATIVE, B CELL-POSITIVE, NK CELL-POSITIVE; Severe Combined Immune Deficiency, Autosomal Recessive, TCell -Negative, B Cell-Positive, NK Cell-Positive, IL7R-Related; IMMUNODEFICIENCY 104, SEVERE COMBINED. Identifiers: MedGen C5676890, MONDO:0012163, OMIM 608971.

gnomAD v4.1: 1 of 1,611,584 alleles (0.000062%); highest among the groups gnomAD compares: Non-Finnish European, 0.000085%; no homozygotes.

Submission:

Labcorp Genetics (formerly Invitae), Labcorp
Classification: Uncertain significance for Immunodeficiency 104. Last evaluated: 2021-12-09. Review status: criteria provided, single submitter. Criteria: Invitae Variant Classification Sherloc (09022015). Collection method: clinical testing. Allele origin: germline.
Comment: Algorithms developed to predict the effect of missense changes on protein structure and function (SIFT, PolyPhen-2, Align-GVGD) all suggest that this variant is likely to be disruptive. This variant has not been reported in the literature in individuals affected with PTPRC-related conditions. This variant is present in population databases (rs188500261, gnomAD 0.0009%). This sequence change replaces lysine, which is basic and polar, with asparagine, which is neutral and polar, at codon 643 of the PTPRC protein (p.Lys643Asn). In summary, the available evidence is currently insufficient to determine the role of this variant in disease. Therefore, it has been classified as a Variant of Uncertain Significance.

NM_002838.5(PTPRC):c.1929G>C (p.Lys643Asn)

Gene: PTPRC (protein tyrosine phosphatase receptor type C; plus strand). Cytogenetic location: 1q32.1.
Variant type: single nucleotide variant.
Coding change: c.1929G>C on transcript NM_002838.5 (MANE Select); coding-DNA position 1929, G replaced by C.
Protein change: p.Lys643Asn; replaces lysine 643 with asparagine.
Molecular consequence: missense variant.
Genome position (GRCh38, 1-based): chr1:198,731,681, G>C. VCF-style: chr1-198731681-G-C. GRCh37 (hg19) VCF-style: chr1-198700810-G-C.
Other names: c.1446G>C, p.Lys482Asn (NM_080921.4); short protein forms K643N, K482N.
Identifiers: ClinVar variation 1910239 (VCV001910239.3), dbSNP rs188500261, ClinGen allele CA1314943.